The following is an entry in ClinVar:

NM_015466.4(PTPN23):c.4744T>G (p.Ser1582Ala)

Gene: PTPN23 (protein tyrosine phosphatase non-receptor type 23; plus strand). Cytogenetic location: 3p21.31.
Variant type: single nucleotide variant.
Coding change: c.4744T>G on transcript NM_015466.4 (MANE Select); coding-DNA position 4744, T replaced by G.
Protein change: p.Ser1582Ala; replaces serine 1582 with alanine.
Molecular consequence: missense variant.
Genome position (GRCh38, 1-based): chr3:47,413,018, T>G. VCF-style: chr3-47413018-T-G. GRCh37 (hg19) VCF-style: chr3-47454508-T-G.
Other names: c.4366T>G, p.Ser1456Ala (NM_001304482.2); short protein forms S1582A, S1456A.
Identifiers: ClinVar variation 1390147 (VCV001390147.4), dbSNP rs369859486, ClinGen allele CA2366694.

ClinVar aggregate classification (germline): Uncertain significance (1 of 4 stars; one submission).

Allele frequency attached by ClinVar (database versions not stated): gnomAD exomes below 0.00001 and 0.00001; ExAC 0.00003; gnomAD 0.00003; TOPMed 0.00004; ESP Exome Variant Server 0.00008; 1000 Genomes Project 30x 0.00016; 1000 Genomes Project 0.00020.
gnomAD v4.1: 12 of 1,611,374 alleles (0.00074%); highest among the groups gnomAD compares: Middle Eastern, 0.017%; no homozygotes.

Submission:

Labcorp Genetics (formerly Invitae), Labcorp
Classification: Uncertain significance. Last evaluated: 2026-01-13. Review status: criteria provided, single submitter. Criteria: Invitae Variant Classification Sherloc (09022015). Collection method: clinical testing. Allele origin: germline.
Comment: This sequence change replaces serine, which is neutral and polar, with alanine, which is neutral and non-polar, at codon 1582 of the PTPN23 protein (p.Ser1582Ala). This variant is present in population databases (rs369859486, gnomAD 0.007%). This variant has not been reported in the literature in individuals affected with PTPN23-related conditions. ClinVar contains an entry for this variant (Variation ID: 1390147). Experimental studies and prediction algorithms are not available or were not evaluated, and the functional significance of this variant is currently unknown. In summary, the available evidence is currently insufficient to determine the role of this variant in disease. Therefore, it has been classified as a Variant of Uncertain Significance.